The following is an entry in ClinVar:

NM_001458.5(FLNC):c.5372T>A (p.Phe1791Tyr)

Genes: FLNC-AS1 (FLNC antisense RNA 1; minus strand), FLNC (filamin C; plus strand). Cytogenetic location: 7q32.1.
Variant type: single nucleotide variant.
Coding change: c.5372T>A on transcript NM_001458.5 (MANE Select); coding-DNA position 5372, T replaced by A.
Protein change: p.Phe1791Tyr; replaces phenylalanine 1791 with tyrosine.
Molecular consequence: missense variant.
Genome position (GRCh38, 1-based): chr7:128,850,457, T>A. VCF-style: chr7-128850457-T-A. GRCh37 (hg19) VCF-style: chr7-128490511-T-A.
Other names: c.5273T>A, p.Phe1758Tyr (NM_001127487.2); short protein forms F1791Y, F1758Y.
Identifiers: ClinVar variation 1474683 (VCV001474683.8), dbSNP rs2128938095, ClinGen allele CA369205281.

ClinVar aggregate classification (germline): Uncertain significance (1 of 4 stars; one submission).

Conditions:
Distal myopathy with posterior leg and anterior hand involvement. Also called: WILLIAMS DISTAL MYOPATHY. Identifiers: Orphanet 63273, MedGen C3279722, MONDO:0013550, OMIM 614065.
Hypertrophic cardiomyopathy 26. Also called: Cardiomyopathy, familial hypertrophic, 26. Identifiers: Orphanet 75249, MedGen C4310749, MONDO:0014883, OMIM 617047.
Myofibrillar myopathy 5. Also called: FILAMINOPATHY, AUTOSOMAL DOMINANT; Filaminopathy (type). Identifiers: Orphanet 171445, MedGen C1836050, MONDO:0012289, OMIM 609524.

Submission:

Labcorp Genetics (formerly Invitae), Labcorp
Classification: Uncertain significance for Distal myopathy with posterior leg and anterior hand involvement; Myofibrillar myopathy 5; Hypertrophic cardiomyopathy 26. Last evaluated: 2022-07-19. Review status: criteria provided, single submitter. Criteria: Invitae Variant Classification Sherloc (09022015). Collection method: clinical testing. Allele origin: germline.
Comment: ClinVar contains an entry for this variant (Variation ID: 1474683). In summary, the available evidence is currently insufficient to determine the role of this variant in disease. Therefore, it has been classified as a Variant of Uncertain Significance. Algorithms developed to predict the effect of missense changes on protein structure and function are either unavailable or do not agree on the potential impact of this missense change (SIFT: "Deleterious"; PolyPhen-2: "Probably Damaging"; Align-GVGD: "Class C0"). This variant has not been reported in the literature in individuals affected with FLNC-related conditions. This variant is not present in population databases (gnomAD no frequency). This sequence change replaces phenylalanine, which is neutral and non-polar, with tyrosine, which is neutral and polar, at codon 1791 of the FLNC protein (p.Phe1791Tyr).